The following is an entry in ClinVar:

ClinVar aggregate classification (germline): Uncertain significance (1 of 4 stars; one submission).

Conditions:
Arrhythmogenic cardiomyopathy with wooly hair and keratoderma. Also called: Dilated cardiomyopathy with woolly hair and keratoderma; PALMOPLANTAR KERATODERMA WITH LEFT VENTRICULAR CARDIOMYOPATHY AND WOOLLY HAIR; Carvajal syndrome; Arrhythmogenic cardiomyopathy with woolly hair and keratoderma. Identifiers: Orphanet 65282, MedGen C1854063, MONDO:0011581, OMIM 605676.
Arrhythmogenic right ventricular dysplasia 8 (ARVD8). Also called: Arrhythmogenic Right Ventricular Dysplasia/Cardiomyopathy 8; ARRHYTHMOGENIC RIGHT VENTRICULAR DYSPLASIA, FAMILIAL, 8; ARRHYTHMOGENIC RIGHT VENTRICULAR CARDIOMYOPATHY 8. Identifiers: MedGen C1843896, MONDO:0011831, OMIM 607450.

Submission:

Labcorp Genetics (formerly Invitae), Labcorp
Classification: Uncertain significance for Arrhythmogenic cardiomyopathy with wooly hair and keratoderma; Arrhythmogenic right ventricular dysplasia 8. Last evaluated: 2023-06-25. Review status: criteria provided, single submitter. Criteria: Invitae Variant Classification Sherloc (09022015). Collection method: clinical testing. Allele origin: germline.
Comment: An algorithm developed to predict the effect of missense changes on protein structure and function (PolyPhen-2) suggests that this variant is likely to be disruptive. In summary, the available evidence is currently insufficient to determine the role of this variant in disease. Therefore, it has been classified as a Variant of Uncertain Significance. This variant has not been reported in the literature in individuals affected with DSP-related conditions. This variant is not present in population databases (gnomAD no frequency). This sequence change replaces glycine, which is neutral and non-polar, with aspartic acid, which is acidic and polar, at codon 2273 of the DSP protein (p.Gly2273Asp).

NM_004415.4(DSP):c.6818G>A (p.Gly2273Asp)

Gene: DSP (desmoplakin; plus strand). Cytogenetic location: 6p24.3.
Variant type: single nucleotide variant.
Coding change: c.6818G>A on transcript NM_004415.4 (MANE Select); coding-DNA position 6818, G replaced by A.
Protein change: p.Gly2273Asp; replaces glycine 2273 with aspartic acid.
Molecular consequence: missense variant.
Genome position (GRCh38, 1-based): chr6:7,584,080, G>A. VCF-style: chr6-7584080-G-A. GRCh37 (hg19) VCF-style: chr6-7584313-G-A.
Other names: c.5021G>A, p.Gly1674Asp (NM_001008844.3); c.5489G>A, p.Gly1830Asp (NM_001319034.2); short protein forms G2273D, G1674D, G1830D.
Identifiers: ClinVar variation 2946303 (VCV002946303.3), dbSNP rs2533942825, ClinGen allele CA362691625.